The following is an entry in ClinVar:

NM_030665.4(RAI1):c.8C>T (p.Ser3Phe)

Gene: RAI1 (retinoic acid induced 1; plus strand). Cytogenetic location: 17p11.2.
Variant type: single nucleotide variant.
Coding change: c.8C>T on transcript NM_030665.4 (MANE Select); coding-DNA position 8, C replaced by T.
Protein change: p.Ser3Phe; replaces serine 3 with phenylalanine.
Molecular consequence: missense variant.
Genome position (GRCh38, 1-based): chr17:17,792,956, C>T. VCF-style: chr17-17792956-C-T. GRCh37 (hg19) VCF-style: chr17-17696270-C-T.
Other names: short protein forms S3F.
Identifiers: ClinVar variation 4984486 (VCV004984486.1).

ClinVar aggregate classification (germline): Uncertain significance (1 of 4 stars; one submission).

Conditions:
RAI1-related disorder. Also called: RAI1-related condition.

gnomAD v4.1: 6 of 1,380,762 alleles (0.00043%); highest among the groups gnomAD compares: Non-Finnish European, 0.00058%; no homozygotes.

Submission:

PreventionGenetics, part of Exact Sciences
Classification: Uncertain significance for RAI1-related condition. Last evaluated: 2025-10-28. Review status: criteria provided, single submitter. Criteria: ACMG Guidelines, 2015. Collection method: clinical testing. Allele origin: germline.
Comment: The RAI1 c.8C>T variant is predicted to result in the amino acid substitution p.Ser3Phe. To our knowledge, this variant has not been reported in the literature or in a large population database (gnomAD), indicating this variant is rare. At this time, the clinical significance of this variant is uncertain due to the absence of conclusive functional and genetic evidence.